The following is an entry in ClinVar:

NM_000059.4(BRCA2):c.5241_5242insTA (p.Ser1748Ter)

Gene: BRCA2 (BRCA2 DNA repair associated; plus strand). Cytogenetic location: 13q13.1.
Variant type: Insertion.
Coding change: c.5241_5242insTA on transcript NM_000059.4 (MANE Select); coding-DNA positions 5241 to 5242, TA inserted.
Protein change: p.Ser1748Ter; replaces serine 1748 with a stop codon.
Molecular consequence: nonsense.
Genome position: GRCh38 VCF-style: chr13-32339596-C-CTA. GRCh37 (hg19) VCF-style: chr13-32913733-C-CTA.
Other names: short protein forms S1748*.
Identifiers: ClinVar variation 254555 (VCV000254555.19), dbSNP rs749980674, ClinGen allele CA6940857.

ClinVar aggregate classification (germline): Pathogenic. Review status: reviewed by expert panel (3 of 4 stars). 6 submissions from 6 submitters: Pathogenic (1). 5 of the submissions do not count toward it. Last evaluated 2016-09-08.

Conditions:
Inherited breast cancer and ovarian cancer.
Hereditary cancer-predisposing syndrome. Also called: Tumor predisposition; Neoplastic Syndromes, Hereditary; Hereditary Cancer Syndrome; Hereditary neoplastic syndrome. Identifiers: Orphanet 140162, MedGen C0027672, MeSH D009386, MONDO:0015356.
Hereditary breast ovarian cancer syndrome. Also called: Hereditary breast and ovarian cancer syndrome; Hereditary breast and ovarian cancer; Hereditary breast and ovarian cancer syndrome (HBOC); Breast and ovarian cancer; BRCA1- and BRCA2-Associated Hereditary Breast and Ovarian Cancer; Hereditary breast and/or ovarian cancer syndrome. Identifiers: Orphanet 145, MedGen C0677776, MeSH D061325, MONDO:0003582. Disease mechanism: loss of function.
Breast-ovarian cancer, familial, susceptibility to, 2 (BROVCA2). Also called: BRCA2 Hereditary Breast and Ovarian Cancer. Identifiers: Orphanet 145, MedGen C2675520, MONDO:0012933, OMIM 612555. Disease mechanism: loss of function.

Allele frequency attached by ClinVar (database versions not stated): gnomAD 0.00001; 1000 Genomes Project 30x 0.00031; ExAC 0.00001; gnomAD exomes below 0.00001.

Submissions (6):

Evidence-based Network for the Interpretation of Germline Mutant Alleles (ENIGMA)
Classification: Pathogenic for Breast-ovarian cancer, familial, susceptibility to, 2. Last evaluated: 2016-09-08. Review status: reviewed by expert panel. Criteria: ENIGMA BRCA1/2 Classification Criteria (2015). Collection method: curation. Allele origin: germline.
Comment: Variant allele predicted to encode a truncated non-functional protein.

Genetics Laboratory, Great Ormond Street Hospital NHS Foundation Trust, North Thames Genomic Laboratory Hub
Classification: Pathogenic for Inherited breast cancer and ovarian cancer. Last evaluated: 2026-05-22. Review status: criteria provided, single submitter. Criteria: CanVIG BRCA Gene Specific V1.22. Collection method: clinical testing. Allele origin: germline. Affected: yes. Not counted in ClinVar's aggregate classification.
Comment: PVS1_very-strong, PM5_strong

Labcorp Genetics (formerly Invitae), Labcorp
Classification: Pathogenic for Hereditary breast ovarian cancer syndrome. Last evaluated: 2022-12-16. Review status: criteria provided, single submitter. Criteria: Invitae Variant Classification Sherloc (09022015). Collection method: clinical testing. Allele origin: germline. Not counted in ClinVar's aggregate classification.
Comment: This sequence change creates a premature translational stop signal (p.Ser1748*) in the BRCA2 gene. It is expected to result in an absent or disrupted protein product. Loss-of-function variants in BRCA2 are known to be pathogenic (PMID: 20104584). This variant is present in population databases (rs749980674, gnomAD 0.007%). This premature translational stop signal has been observed in individual(s) with breast cancer (PMID: 22034289). ClinVar contains an entry for this variant (Variation ID: 254555). For these reasons, this variant has been classified as Pathogenic.

Ambry Genetics
Classification: Pathogenic for Hereditary cancer-predisposing syndrome. Last evaluated: 2020-01-07. Review status: criteria provided, single submitter. Criteria: Ambry Variant Classification Scheme 2023. Collection method: clinical testing. Allele origin: germline. Not counted in ClinVar's aggregate classification.
Comment: The c.5241_5242insTA pathogenic mutation, located in coding exon 10 of the BRCA2 gene, results from an insertion of two nucleotides at position 5241, causing a translational frameshift with a predicted alternate stop codon (p.S1748*). Of note, this alteration is also designated as 5469insTA in published literature. In addition to the clinical data presented in the literature, this alteration is expected to result in loss of function by premature protein truncation or nonsense-mediated mRNA decay. As such, this alteration is interpreted as a disease-causing mutation.

GeneDx
Classification: Pathogenic. Last evaluated: 2018-09-06. Review status: criteria provided, single submitter. Criteria: GeneDx Variant Classification (06012015). Collection method: clinical testing. Allele origin: germline. Affected: yes. Not counted in ClinVar's aggregate classification.
Comment: This insertion of two nucleotides is denoted BRCA2 c.5241_5242insTA at the cDNA level and p.Ser1748Ter (S1748X) at the protein level. The normal sequence, with the bases that are inserted in brackets, is TAAC[insTA]AGCT. The insertion creates a nonsense variant, which changes a Serine to a premature stop codon. This variant is predicted to cause loss of normal protein function through either protein truncation or nonsense-mediated mRNA decay. BRCA2 c.5241_5242insTA, previously reported as BRCA2 5469_5470insTA or 5469insTA using alternate nomenclature, has been reported in association with breast cancer (Fackenthal 2012). We consider this variant to be pathogenic.

Consortium of Investigators of Modifiers of BRCA1/2 (CIMBA), c/o University of Cambridge
Classification: Pathogenic for Breast-ovarian cancer, familial, susceptibility to, 2. Last evaluated: 2015-10-02. Review status: criteria provided, single submitter. Criteria: CIMBA Mutation Classification guidelines May 2016. Collection method: clinical testing. Allele origin: germline. Not counted in ClinVar's aggregate classification.

Literature cited by the submitters: PubMed 20104584 (cited by Labcorp Genetics (formerly Invitae), Labcorp); PubMed 22034289 (cited by Labcorp Genetics (formerly Invitae), Labcorp and Ambry Genetics); PubMed 29446198 (cited by Ambry Genetics); PubMed 30720243 (cited by Ambry Genetics).